The following is an entry in ClinVar:

ClinVar aggregate classification (germline): Uncertain significance. Review status: criteria provided, multiple submitters, no conflicts (2 of 4 stars). 4 submissions from 4 submitters: Uncertain significance (4). Last evaluated 2023-11-09.

Conditions:
Hereditary cancer-predisposing syndrome. Also called: Neoplastic Syndromes, Hereditary; Hereditary Cancer Syndrome; Tumor predisposition; Hereditary neoplastic syndrome. Identifiers: Orphanet 140162, MedGen C0027672, MeSH D009386, MONDO:0015356.
Microcephaly, normal intelligence and immunodeficiency (NBS). Also called: Immunodeficiency, microcephaly with normal intelligence; BERLIN BREAKAGE SYNDROME; SEEMANOVA SYNDROME II; Ataxia telangiectasia variant V1; Nijmegen breakage syndrome; Microcephaly with normal intelligence immunodeficiency and lymphoreticular malignancies. Identifiers: Orphanet 647, MedGen C0398791, MONDO:0009623, OMIM 251260.

Submissions (4):

Labcorp Genetics (formerly Invitae), Labcorp
Classification: Uncertain significance for Microcephaly, normal intelligence and immunodeficiency. Last evaluated: 2023-11-09. Review status: criteria provided, single submitter. Criteria: Invitae Variant Classification Sherloc (09022015). Collection method: clinical testing. Allele origin: germline.
Comment: This sequence change replaces valine, which is neutral and non-polar, with alanine, which is neutral and non-polar, at codon 348 of the NBN protein (p.Val348Ala). This variant is not present in population databases (gnomAD no frequency). This variant has not been reported in the literature in individuals affected with NBN-related conditions. ClinVar contains an entry for this variant (Variation ID: 234211). Algorithms developed to predict the effect of missense changes on protein structure and function output the following: SIFT: "Not Available"; PolyPhen-2: "Benign"; Align-GVGD: "Not Available". The alanine amino acid residue is found in multiple mammalian species, which suggests that this missense change does not adversely affect protein function. In summary, the available evidence is currently insufficient to determine the role of this variant in disease. Therefore, it has been classified as a Variant of Uncertain Significance.

CeGaT Center for Human Genetics Tuebingen
Classification: Uncertain significance. Last evaluated: 2022-05-01. Review status: criteria provided, single submitter. Criteria: CeGaT Center For Human Genetics Tuebingen Variant Classification Criteria Version 2. Collection method: clinical testing. Allele origin: germline. Affected: yes. Observed: 1 variant allele.
Comment: NBN: PM2, BP1, BP4

Genome-Nilou Lab
Classification: Uncertain significance for Microcephaly, normal intelligence and immunodeficiency. Last evaluated: 2021-11-07. Review status: criteria provided, single submitter. Criteria: ACMG Guidelines, 2015. Collection method: clinical testing. Allele origin: germline. Affected: no.

Ambry Genetics
Classification: Uncertain significance for Hereditary cancer-predisposing syndrome. Last evaluated: 2015-09-29. Review status: criteria provided, single submitter. Criteria: Ambry Variant Classification Scheme 2023. Collection method: clinical testing. Allele origin: germline.
Comment: The p.V348A variant (also known as c.1043T>C), located in coding exon 9 of the NBN gene, results from a T to C substitution at nucleotide position 1043. The valine at codon 348 is replaced by alanine, an amino acid with similar properties. This variant was not reported in population based cohorts in the following databases: Database of Single Nucleotide Polymorphisms (dbSNP), NHLBI Exome Sequencing Project (ESP), and 1000 Genomes Project. In the ESP, this variant was not observed in 6503 samples (13006 alleles) with coverage at this position. To date, this alteration has been detected with an allele frequency of approximately 0.002% (greater than 65000 alleles tested) in our clinical cohort. This amino acid position is poorly conserved in available vertebrate species. In addition, this alteration is predicted to be tolerated by in silico analysis. Since supporting evidence is limited at this time, the clinical significance of p.V348A remains unclear.

NM_002485.5(NBN):c.1043T>C (p.Val348Ala)

Gene: NBN (nibrin; minus strand). Cytogenetic location: 8q21.3.
Variant type: single nucleotide variant.
Coding change: c.1043T>C on transcript NM_002485.5 (MANE Select); coding-DNA position 1043, T replaced by C.
Protein change: p.Val348Ala; replaces valine 348 with alanine.
Molecular consequence: missense variant.
Genome position (GRCh38, 1-based): chr8:89,958,806, A>G on the plus strand (T>C on the coding strand, the complement: NBN is on the minus strand). VCF-style: chr8-89958806-A-G. GRCh37 (hg19) VCF-style: chr8-90971034-A-G.
Other names: c.797T>C, p.Val266Ala (NM_001024688.3); short protein forms V348A, V266A.
Identifiers: ClinVar variation 234211 (VCV000234211.47), dbSNP rs876660929, ClinGen allele CA10578776.
Genomic context (GRCh38, chr8:89,958,806, plus strand): 5'-TCTGTGTCAGCTACGTATGTTGTAGTGTTCACTGGGGCGCTTGGCATTAGTTTTTCATCA[A>G]CTGACACGCCTTGTGAAAGGCTTGGTCCTGGAGTTGTTGTCTTTAATCCTGTAAATCACA-3'
Protein context (NP_002476.2, residues 338-358): PGPSLSQGVS[Val348Ala]DEKLMPSAPV